The following is an entry in ClinVar:

NM_002907.4(RECQL):c.1444_1446del (p.Ser482del)

Gene: RECQL (RecQ like helicase; minus strand). Cytogenetic location: 12p12.1.
Variant type: Deletion.
Coding change: c.1444_1446del on transcript NM_002907.4 (MANE Select); coding-DNA positions 1444 to 1446, 3 bases deleted (AGT; older notation c.1444_1446delAGT).
Protein change: p.Ser482del; deletes serine 482.
Molecular consequence: inframe deletion.
Genome position (GRCh38, 1-based): chr12:21,473,552-21,473,554, ACT deleted on the plus strand (AGT on the coding strand, the reverse complement: RECQL is on the minus strand). VCF-style (leftmost placement, unchanged base first): chr12-21473551-CACT-C. GRCh37 (hg19) VCF-style: chr12-21626485-CACT-C.
Other names: c.1444_1446del, p.Ser482del (NM_032941.3); c.1444_1446del (NM_002907.3); short protein forms S482del.
Identifiers: ClinVar variation 1414972 (VCV001414972.13), dbSNP rs762926806, ClinGen allele CA6478752.
Genomic context (GRCh38, chr12:21,473,551, plus strand): 5'-TCTGTCACTAGGCATTATGACTGTATTAGCCTATAAAGGTTTACAAAACAACAAACTCAC[CACT>C]GTCTTTACAGCAGTTATCGCACATTTTGTTACATGCTTCTGAGTTCCATACTTCATCAAA-3'

ClinVar aggregate classification (germline): Uncertain significance. Review status: criteria provided, multiple submitters, no conflicts (2 of 4 stars). 3 submissions from 3 submitters: Uncertain significance (3). Last evaluated 2025-10-21.

Allele frequency attached by ClinVar (database versions not stated): ExAC 0.00001; gnomAD exomes 0.00001; TOPMed 0.00001; gnomAD 0.00002.

Submissions (3):

Labcorp Genetics (formerly Invitae), Labcorp
Classification: Uncertain significance. Last evaluated: 2025-10-21. Review status: criteria provided, single submitter. Criteria: Invitae Variant Classification Sherloc (09022015). Collection method: clinical testing. Allele origin: germline.
Comment: This variant, c.1444_1446del, results in the deletion of 1 amino acid(s) of the RECQL protein (p.Ser482del), but otherwise preserves the integrity of the reading frame. This variant is present in population databases (rs762926806, gnomAD 0.002%). This variant has not been reported in the literature in individuals affected with RECQL-related conditions. ClinVar contains an entry for this variant (Variation ID: 1414972). Experimental studies and prediction algorithms are not available or were not evaluated, and the functional significance of this variant is currently unknown. In summary, the available evidence is currently insufficient to determine the role of this variant in disease. Therefore, it has been classified as a Variant of Uncertain Significance.

GeneDx
Classification: Uncertain significance. Last evaluated: 2024-07-02. Review status: criteria provided, single submitter. Criteria: GeneDx Variant Classification Process June 2021. Collection method: clinical testing. Allele origin: germline. Affected: yes.
Comment: In-frame deletion of 1 amino acid in a non-repeat region; Not observed at significant frequency in large population cohorts (gnomAD); In silico analysis supports a deleterious effect on protein structure/function; Has not been previously published as pathogenic or benign to our knowledge; Variants in candidate genes are classified as variants of uncertain significance in accordance with ACMG guidelines (PMID: 25741868); This variant is associated with the following publications: (PMID: 23396353, 27248010, 19151156)

Ambry Genetics
Classification: Uncertain significance. Last evaluated: 2023-03-24. Review status: criteria provided, single submitter. Criteria: Ambry Variant Classification Scheme 2023. Collection method: clinical testing. Allele origin: germline.
Comment: The c.1444_1446delAGT variant (also known as p.S482del) is located in coding exon 11 of the RECQL gene. This variant results from an in-frame AGT deletion at nucleotide positions 1444 to 1446. This results in the in-frame deletion of a serine at codon 482. This amino acid position is poorly conserved in available vertebrate species. In addition, the in silico prediction for this alteration is inconclusive (Choi Y et al. PLoS ONE. 2012; 7(10):e46688). The evidence for this gene-disease relationship is limited; therefore, the clinical significance of this alteration is unclear.